The following is an entry in ClinVar:

ClinVar aggregate classification (germline): Likely benign (0 of 4 stars; one submission).

Conditions:
TRPC5-related disorder. Also called: TRPC5-related condition.

Allele frequency attached by ClinVar (database versions not stated): gnomAD exomes 0.00018; 1000 Genomes Project 0.00053; 1000 Genomes Project 30x 0.00062; ExAC 0.00087; gnomAD 0.00176; TOPMed 0.00205; ESP Exome Variant Server 0.00312.
gnomAD v4.1: 402 of 1,195,853 alleles (0.034%); highest among the groups gnomAD compares: African/African-American, 0.57%; 1 homozygote.

Submission:

PreventionGenetics, part of Exact Sciences
Classification: Likely benign for TRPC5-related condition. Last evaluated: 2019-10-28. Review status: no assertion criteria provided. Collection method: clinical testing. Allele origin: germline.
Comment: This variant is classified as likely benign based on ACMG/AMP sequence variant interpretation guidelines (Richards et al. 2015 PMID: 25741868, with internal and published modifications).

NM_012471.3(TRPC5):c.2071C>T (p.Arg691Trp)

Gene: TRPC5 (transient receptor potential cation channel subfamily C member 5; minus strand). Cytogenetic location: Xq23.
Variant type: single nucleotide variant.
Coding change: c.2071C>T on transcript NM_012471.3 (MANE Select); coding-DNA position 2071, C replaced by T.
Protein change: p.Arg691Trp; replaces arginine 691 with tryptophan.
Molecular consequence: missense variant.
Genome position (GRCh38, 1-based): chrX:111,781,964, G>A on the plus strand (C>T on the coding strand, the complement: TRPC5 is on the minus strand). VCF-style: chrX-111781964-G-A. GRCh37 (hg19) VCF-style: chrX-111025192-G-A.
Other names: short protein forms R691W.
Identifiers: ClinVar variation 3040298 (VCV003040298.2), dbSNP rs148725512, ClinGen allele CA10494223.